The following is an entry in ClinVar:

ClinVar aggregate classification (germline): Uncertain significance (1 of 4 stars; one submission).

Conditions:
Cardiovascular phenotype. Identifiers: MedGen CN230736.

Submission:

Ambry Genetics
Classification: Uncertain significance for Cardiovascular phenotype. Last evaluated: 2023-05-22. Review status: criteria provided, single submitter. Criteria: Ambry Variant Classification Scheme 2023. Collection method: clinical testing. Allele origin: germline.
Comment: The p.W6C variant (also known as c.18G>C), located in coding exon 2 of the PTPN11 gene, results from a G to C substitution at nucleotide position 18. The tryptophan at codon 6 is replaced by cysteine, an amino acid with highly dissimilar properties. This amino acid position is conserved. In addition, this alteration is predicted to be deleterious by in silico analysis. Since supporting evidence is limited at this time, the clinical significance of this alteration remains unclear.

NM_002834.5(PTPN11):c.18G>C (p.Trp6Cys)

Gene: PTPN11 (protein tyrosine phosphatase non-receptor type 11; plus strand). Cytogenetic location: 12q24.13.
Variant type: single nucleotide variant.
Coding change: c.18G>C on transcript NM_002834.5 (MANE Select); coding-DNA position 18, G replaced by C.
Protein change: p.Trp6Cys; replaces tryptophan 6 with cysteine.
Molecular consequence: missense variant.
Genome position (GRCh38, 1-based): chr12:112,446,279, G>C. VCF-style: chr12-112446279-G-C. GRCh37 (hg19) VCF-style: chr12-112884083-G-C.
Other names: c.18G>C, p.Trp6Cys (NM_001330437.2, NM_001374625.1, NM_080601.3); short protein forms W6C.
Identifiers: ClinVar variation 2568101 (VCV002568101.2), dbSNP rs79203122, ClinGen allele CA386776123.